The following is an entry in ClinVar:

NM_006846.4(SPINK5):c.2098G>T (p.Gly700Ter)

Gene: SPINK5 (serine peptidase inhibitor Kazal type 5; plus strand). Cytogenetic location: 5q32.
Variant type: single nucleotide variant.
Coding change: c.2098G>T on transcript NM_006846.4 (MANE Select); coding-DNA position 2098, G replaced by T.
Protein change: p.Gly700Ter; replaces glycine 700 with a stop codon.
Molecular consequence: nonsense.
Genome position (GRCh38, 1-based): chr5:148,116,452, G>T. VCF-style: chr5-148116452-G-T. GRCh37 (hg19) VCF-style: chr5-147496015-G-T.
Other names: c.2098G>T, p.Gly700Ter (NM_001127698.2, NM_001127699.2); short protein forms G700*.
Identifiers: ClinVar variation 2734797 (VCV002734797.4), dbSNP rs767816225, ClinGen allele CA3495854.

ClinVar aggregate classification (germline): Pathogenic. Review status: criteria provided, multiple submitters, no conflicts (2 of 4 stars). 2 submissions from 2 submitters: Pathogenic (2). Last evaluated 2025-12-22.

Conditions:
Ichthyosis linearis circumflexa. Identifiers: MedGen C0265962, MONDO:0043106, HP:0025810.

Allele frequency attached by ClinVar (database versions not stated): TOPMed below 0.00001; ExAC 0.00002; gnomAD 0.00002.
gnomAD v4.1: 20 of 1,614,038 alleles (0.0012%); highest among the groups gnomAD compares: Non-Finnish European, 0.0015%; no homozygotes.

Submissions (2):

Labcorp Genetics (formerly Invitae), Labcorp
Classification: Pathogenic for Ichthyosis linearis circumflexa. Last evaluated: 2025-12-22. Review status: criteria provided, single submitter. Criteria: Invitae Variant Classification Sherloc (09022015). Collection method: clinical testing. Allele origin: germline.
Comment: This sequence change creates a premature translational stop signal (p.Gly700*) in the SPINK5 gene. It is expected to result in an absent or disrupted protein product. Loss-of-function variants in SPINK5 are known to be pathogenic (PMID: 11511292, 11841556). This variant is present in population databases (rs767816225, gnomAD 0.004%). This premature translational stop signal has been observed in individual(s) with Netherton syndrome (PMID: 19683336). ClinVar contains an entry for this variant (Variation ID: 2734797). For these reasons, this variant has been classified as Pathogenic.

Women's Health and Genetics/Laboratory Corporation of America, LabCorp
Classification: Pathogenic for Ichthyosis linearis circumflexa. Last evaluated: 2024-11-21. Review status: criteria provided, single submitter. Criteria: LabCorp Variant Classification Summary - May 2015. Collection method: clinical testing. Allele origin: germline.
Comment: Variant summary: SPINK5 c.2098G>T (p.Gly700X) results in a premature termination codon, predicted to cause a truncation of the encoded protein or absence of the protein due to nonsense mediated decay, which are commonly known mechanisms for disease. The variant allele was found at a frequency of 1.6e-05 in 249546 control chromosomes. c.2098G>T has been reported in the literature in individuals affected with Netherton syndrome (example: Renner_2009).The following publication has been ascertained in the context of this evaluation (PMID: 19683336). ClinVar contains an entry for this variant (Variation ID: 2734797). Based on the evidence outlined above, the variant was classified as pathogenic.

Literature cited by the submitters: PubMed 11511292 (cited by Labcorp Genetics (formerly Invitae), Labcorp); PubMed 11841556 (cited by Labcorp Genetics (formerly Invitae), Labcorp); PubMed 19683336 (cited by Labcorp Genetics (formerly Invitae), Labcorp and Women's Health and Genetics/Laboratory Corporation of America, LabCorp).